The following is an entry in ClinVar:

ClinVar aggregate classification (germline): Likely pathogenic (1 of 4 stars; one submission).

Conditions:
Hemochromatosis type 2A (HFE2A). Also called: Adult-Onset Hemochromatosis; HJV (HFE2)-Related Juvenile Hemochromatosis. Identifiers: Orphanet 79230, MedGen C1865614, MONDO:0011216, OMIM 602390.

Submission:

Natera, Inc.
Classification: Likely pathogenic for Hemochromatosis type 2A. Last evaluated: 2025-08-20. Review status: criteria provided, single submitter. Criteria: Natera Variant Classification Schema (03/2026). Collection method: clinical testing. Allele origin: germline.
Comment: The c.258T>G variant in HJV is a nonsense variant predicted to introduce a stop codon at amino acid 86. This variant is expected to result in nonsense mediated decay, truncation, or a dysfunctional protein product. This variant is rare in the general population with a frequency below the threshold expected for the associated phenotype(s). Given the available evidence, this variant is classified as Likely Pathogenic.

NM_213653.4(HJV):c.258T>G (p.Tyr86Ter)

Gene: HJV (hemojuvelin BMP co-receptor; minus strand). Cytogenetic location: 1q21.1.
Variant type: single nucleotide variant.
Coding change: c.258T>G on transcript NM_213653.4 (MANE Select); coding-DNA position 258, T replaced by G.
Protein change: p.Tyr86Ter; replaces tyrosine 86 with a stop codon.
Molecular consequence: nonsense. On other transcripts: 5 prime UTR variant (1), intron variant (3).
Genome position (GRCh38, 1-based): chr1:146,019,574, A>C on the plus strand (T>G on the coding strand, the complement: HJV is on the minus strand). VCF-style: chr1-146019574-A-C. GRCh37 (hg19) VCF-style: chr1-145415439-T-G.
Other names: c.258T>G, p.Tyr86Ter (NM_001379352.1); c.-82T>G (NM_145277.5); c.-21-874T>G (NM_213652.4); c.-22+124T>G (NM_202004.4, NM_001316767.2); short protein forms Y86*.
Identifiers: ClinVar variation 4817168 (VCV004817168.1).
Genomic context (GRCh38, chr1:146,019,574, plus strand): 5'-CGCCGAATGGAAGGCGAGGTCCCCGCGGCAGGTGCGGGCGGTGCGCCGAGTGCAGAGCGC[A>C]TAGGAGCGGAGGGCTCGACAGAGGCCGCCAGAGCCCACCCCTCCACCCCGGCCTCCTCCT-3'